The following is an entry in ClinVar:

NM_020207.7(ERCC6L2):c.1954C>T (p.His652Tyr)

Gene: ERCC6L2 (ERCC excision repair 6 like 2; plus strand). Cytogenetic location: 9q22.32.
Variant type: single nucleotide variant.
Coding change: c.1954C>T on transcript NM_020207.7 (MANE Select); coding-DNA position 1954, C replaced by T.
Protein change: p.His652Tyr; replaces histidine 652 with tyrosine.
Molecular consequence: missense variant. On other transcripts: non-coding transcript variant (1).
Genome position (GRCh38, 1-based): chr9:95,966,568, C>T. VCF-style: chr9-95966568-C-T. GRCh37 (hg19) VCF-style: chr9-98728850-C-T.
Other names: c.1954C>T, p.His652Tyr (NM_001010895.4, NM_001375291.1, NM_001375292.1 and 2 more transcripts); short protein forms H652Y.
Identifiers: ClinVar variation 4019270 (VCV004019270.1).

ClinVar aggregate classification (germline): Uncertain significance (1 of 4 stars; one submission).

Conditions:
Inborn genetic diseases. Identifiers: MedGen C0950123, MeSH D030342.

gnomAD v4.1: 1 of 1,483,444 alleles (0.000067%); highest among the groups gnomAD compares: Non-Finnish European, 0.000091%; no homozygotes.

Submission:

Ambry Genetics
Classification: Uncertain significance for Inborn genetic diseases. Last evaluated: 2025-03-27. Review status: criteria provided, single submitter. Criteria: Ambry Variant Classification Scheme 2023. Collection method: clinical testing. Allele origin: germline.
Comment: The p.H652Y variant (also known as c.1954C>T), located in coding exon 14 of the ERCC6L2 gene, results from a C to T substitution at nucleotide position 1954. The histidine at codon 652 is replaced by tyrosine, an amino acid with similar properties. This amino acid position is conserved. In addition, the in silico prediction for this alteration is inconclusive. Based on the available evidence, the clinical significance of this variant remains unclear.